The following is an entry in ClinVar:

NM_022168.4(IFIH1):c.736G>T (p.Glu246Ter)

Gene: IFIH1 (interferon induced with helicase C domain 1; minus strand). Cytogenetic location: 2q24.2.
Variant type: single nucleotide variant.
Coding change: c.736G>T on transcript NM_022168.4 (MANE Select); coding-DNA position 736, G replaced by T.
Protein change: p.Glu246Ter; replaces glutamic acid 246 with a stop codon.
Molecular consequence: nonsense.
Genome position (GRCh38, 1-based): chr2:162,306,742, C>A on the plus strand (G>T on the coding strand, the complement: IFIH1 is on the minus strand). VCF-style: chr2-162306742-C-A. GRCh37 (hg19) VCF-style: chr2-163163252-C-A.
Other names: c.736G>T (NM_022168.2); short protein forms E246*.
Identifiers: ClinVar variation 1393621 (VCV001393621.8), dbSNP rs373854773, ClinGen allele CA1934730.

ClinVar aggregate classification (germline): Uncertain significance. Review status: criteria provided, multiple submitters, no conflicts (2 of 4 stars). 3 submissions from 3 submitters: Uncertain significance (3). Last evaluated 2024-12-08.

Conditions:
Aicardi-Goutieres syndrome 7 (AGS7). Identifiers: Orphanet 51, MedGen C3888244, MONDO:0014367, OMIM 615846.
Singleton-Merten syndrome 1 (SGMRT1). Also called: Widened medullary cavities of bone, aortic calcification, abnormal dentition, and muscular weakness; Syndrome of widened medullary cavities of the metacarpals and phalanges, aortic calcification and abnormal dentition. Identifiers: Orphanet 85191, MedGen C4225427, MONDO:0024535, OMIM 182250.
Inborn genetic diseases. Identifiers: MedGen C0950123, MeSH D030342.

Allele frequency attached by ClinVar (database versions not stated): gnomAD exomes 0.00001 and 0.00002; TOPMed 0.00001; ExAC 0.00002; gnomAD 0.00002; ESP Exome Variant Server 0.00008.
gnomAD v4.1: 30 of 1,613,776 alleles (0.0019%); highest among the groups gnomAD compares: Non-Finnish European, 0.0025%; no homozygotes.

Submissions (3):

Labcorp Genetics (formerly Invitae), Labcorp
Classification: Uncertain significance for Aicardi-Goutieres syndrome 7; Singleton-Merten syndrome 1. Last evaluated: 2024-12-08. Review status: criteria provided, single submitter. Criteria: Invitae Variant Classification Sherloc (09022015). Collection method: clinical testing. Allele origin: germline.
Comment: This sequence change creates a premature translational stop signal (p.Glu246*) in the IFIH1 gene. It is expected to result in an absent or disrupted protein product. However, the current clinical and genetic evidence is not sufficient to establish whether loss-of-function variants in IFIH1 cause disease. This variant is present in population databases (rs373854773, gnomAD 0.002%). This variant has not been reported in the literature in individuals affected with IFIH1-related conditions. This premature translational stop signal has been observed in at least one individual who was not affected with IFIH1-related conditions (internal data). ClinVar contains an entry for this variant (Variation ID: 1393621). Algorithms developed to predict the effect of sequence changes on RNA splicing suggest that this variant may disrupt the consensus splice site. In summary, the available evidence is currently insufficient to determine the role of this variant in disease. Therefore, it has been classified as a Variant of Uncertain Significance.

Blueprint Genetics
Classification: Uncertain significance. Last evaluated: 2021-11-19. Review status: criteria provided, single submitter. Criteria: ACMG Guidelines, 2015. Collection method: clinical testing. Allele origin: germline.

Ambry Genetics
Classification: Uncertain significance for Inborn genetic diseases. Last evaluated: 2021-06-04. Review status: criteria provided, single submitter. Criteria: Ambry Variant Classification Scheme 2023. Collection method: clinical testing. Allele origin: germline.
Comment: The c.736G>T (p.E246*) alteration, located in exon 3 (coding exon 3) of the IFIH1 gene, consists of a G to T substitution at nucleotide position 736. This changes the amino acid from a glutamic acid (E) to a stop codon at amino acid position 246. However, loss-of-function of IFIH1 has not been clearly established as a mechanism of disease. Based on insufficient or conflicting evidence, the clinical significance of this alteration remains unclear.